The following is an entry in ClinVar:

ClinVar aggregate classification (germline): other (0 of 4 stars; one submission).

Conditions:
Familial colorectal cancer. Identifiers: MedGen CN280943, MONDO:0023113. Disease mechanism: loss of function.

Submission:

Systems Biology Platform Zhejiang California International NanoSystems Institute
Classification: other for Familial colorectal cancer. Review status: no assertion criteria provided. Collection method: not provided. Allele origin: unknown.
ClinVar note: Converted during submission from cancer to other.

NM_000038.6(APC):c.1409-2360A>T

Gene: APC (APC regulator of WNT signaling pathway; plus strand). Cytogenetic location: 5q22.2.
Variant type: single nucleotide variant.
Coding change: c.1409-2360A>T on transcript NM_000038.6 (MANE Select); 2360 bases into the intron before coding-DNA position 1409, A replaced by T.
Molecular consequence: intron variant.
Genome position (GRCh38, 1-based): chr5:112,824,748, A>T. VCF-style: chr5-112824748-A-T. GRCh37 (hg19) VCF-style: chr5-112160445-A-T.
Other names: c.1409-2360A>T (NM_001354895.2, NM_001127510.3); c.1439-2360A>T (NM_001354897.2); c.1136-2360A>T (NM_001354902.2); c.1355-2360A>T (NM_001127511.3); c.1334-2360A>T (NM_001354898.2); c.1031-2360A>T (NM_001354904.2); c.560-2360A>T (NM_001354906.2); c.1462+1388A>T (NM_001354896.2); and 5 more.
Identifiers: ClinVar variation 83144 (VCV000083144.2), dbSNP rs76989207, ClinGen allele CA005062.